The following is an entry in ClinVar:

ClinVar aggregate classification (germline): Uncertain significance (1 of 4 stars; one submission).

Conditions:
SETD2-related neurodevelopmental disorder without or with macrocephaly/overgrowth. Identifiers: MedGen CN375935, MONDO:0800477.

gnomAD v4.1: 5 of 1,614,098 alleles (0.00031%); highest among the groups gnomAD compares: Middle Eastern, 0.017%; no homozygotes.

Submission:

Dasa
Classification: Uncertain significance for SETD2-related neurodevelopmental disorder without or with macrocephaly/overgrowth. Last evaluated: 2025-12-28. Review status: criteria provided, single submitter. Criteria: DASA Assertion Criteria. Collection method: clinical testing. Allele origin: germline.
Comment: NM_014159.7(SETD2):c.2978C>T (p.Ser993Phe) is a missense variant that results in the substitution of serine with phenylalanine. This variant is rare in population databases. The currently available literature and clinical evidence are not sufficient to establish a definitive association between this variant and the reported condition. Therefore, this variant is classified as a variant of uncertain significance.

NM_014159.7(SETD2):c.2978C>T (p.Ser993Phe)

Gene: SETD2 (SET domain containing 2, histone lysine methyltransferase; minus strand). Cytogenetic location: 3p21.31.
Variant type: single nucleotide variant.
Coding change: c.2978C>T on transcript NM_014159.7 (MANE Select); coding-DNA position 2978, C replaced by T.
Protein change: p.Ser993Phe; replaces serine 993 with phenylalanine.
Molecular consequence: missense variant. On other transcripts: non-coding transcript variant (1).
Genome position (GRCh38, 1-based): chr3:47,121,658, G>A on the plus strand (C>T on the coding strand, the complement: SETD2 is on the minus strand). VCF-style: chr3-47121658-G-A. GRCh37 (hg19) VCF-style: chr3-47163148-G-A.
Other names: c.2846C>T, p.Ser949Phe (NM_001349370.3); short protein forms S949F, S993F.
Identifiers: ClinVar variation 4882226 (VCV004882226.2).